The following is an entry in ClinVar:

ClinVar aggregate classification (germline): Benign. Review status: criteria provided, single submitter (1 of 4 stars). 2 submissions from 2 submitters: Benign (1). 1 of the submissions does not count toward it. Last evaluated 2025-11-05.

Conditions:
EP300-related disorder. Also called: EP300-related condition; EP300-related disorders.
Rubinstein-Taybi syndrome due to EP300 haploinsufficiency. Also called: EP300-Related Rubinstein-Taybi Syndrome; RUBINSTEIN-TAYBI SYNDROME 2. Identifiers: Orphanet 353284, Orphanet 783, MedGen C3150941, MONDO:0013364, OMIM 613684.

Allele frequency attached by ClinVar (database versions not stated): TOPMed 0.00001; gnomAD 0.00002; ExAC 0.00005.

Submissions (2):

Labcorp Genetics (formerly Invitae), Labcorp
Classification: Benign for Rubinstein-Taybi syndrome due to EP300 haploinsufficiency. Last evaluated: 2025-11-05. Review status: criteria provided, single submitter. Criteria: Invitae Variant Classification Sherloc (09022015). Collection method: clinical testing. Allele origin: germline.

PreventionGenetics, part of Exact Sciences
Classification: Uncertain significance for EP300-related condition. Last evaluated: 2024-04-06. Review status: no assertion criteria provided. Collection method: clinical testing. Allele origin: germline. Not counted in ClinVar's aggregate classification.
Comment: The EP300 c.853T>C variant is predicted to result in the amino acid substitution p.Ser285Pro. To our knowledge, this variant has not been reported in the literature. This variant is reported in 0.039% of alleles in individuals of Ashkenazi Jewish descent in gnomAD, which is more common than expected for a disease-causing variant in EP300. Although we suspect that this variant may be benign, at this time, the clinical significance of this variant is uncertain due to the absence of conclusive functional and genetic evidence.

NM_001429.4(EP300):c.853T>C (p.Ser285Pro)

Gene: EP300 (EP300 lysine acetyltransferase; plus strand). Cytogenetic location: 22q13.2.
Variant type: single nucleotide variant.
Coding change: c.853T>C on transcript NM_001429.4 (MANE Select); coding-DNA position 853, T replaced by C.
Protein change: p.Ser285Pro; replaces serine 285 with proline.
Molecular consequence: missense variant.
Genome position (GRCh38, 1-based): chr22:41,125,987, T>C. VCF-style: chr22-41125987-T-C. GRCh37 (hg19) VCF-style: chr22-41521991-T-C.
Other names: c.853T>C, p.Ser285Pro (NM_001362843.2); c.853T>C (NM_001429.3); short protein forms S285P.
Identifiers: ClinVar variation 2140246 (VCV002140246.6), dbSNP rs761504502, ClinGen allele CA10252374.
Genomic context (GRCh38, chr22:41,125,987, plus strand): 5'-ATTGGAGCCAGTGGCCTTGGTCTCCAGATTCAGACAAAAACTGTACTATCAAATAACTTA[T>C]CTCCATTTGCTATGGACAAAAAGGCAGTTCCTGGTGGAGGAATGCCCAACATGGTGAGTA-3'
Protein context (NP_001420.2, residues 275-295): QTKTVLSNNL[Ser285Pro]PFAMDKKAVP